The following is an entry in ClinVar:

NM_001113378.2(FANCI):c.1735G>A (p.Ala579Thr)

Gene: FANCI (FA complementation group I; plus strand). Cytogenetic location: 15q26.1.
Variant type: single nucleotide variant.
Coding change: c.1735G>A on transcript NM_001113378.2 (MANE Select); coding-DNA position 1735, G replaced by A.
Protein change: p.Ala579Thr; replaces alanine 579 with threonine.
Molecular consequence: missense variant.
Genome position (GRCh38, 1-based): chr15:89,285,132, G>A. VCF-style: chr15-89285132-G-A. GRCh37 (hg19) VCF-style: chr15-89828363-G-A.
Other names: c.1456G>A, p.Ala486Thr (NM_001376910.1); c.1735G>A, p.Ala579Thr (NM_001376911.1, NM_018193.3); short protein forms A579T, A486T.
Identifiers: ClinVar variation 456195 (VCV000456195.10), dbSNP rs147963936, ClinGen allele CA7723137.

ClinVar aggregate classification (germline): Uncertain significance. Review status: criteria provided, multiple submitters, no conflicts (2 of 4 stars). 3 submissions from 3 submitters: Uncertain significance (3). Last evaluated 2026-04-05.

Conditions:
Fanconi anemia (FA). Also called: Fanconi's anemia. Identifiers: Orphanet 84, MedGen C0015625, MeSH D005199, MONDO:0019391.
Fanconi anemia complementation group I (FANCI). Also called: FANCI-Related Fanconi Anemia. Identifiers: Orphanet 84, MedGen C1836861, MONDO:0012186, OMIM 609053.

Allele frequency attached by ClinVar (database versions not stated): gnomAD exomes 0.00002; TOPMed 0.00008; gnomAD 0.00004 and 0.00005; 1000 Genomes Project 0.00040; ExAC 0.00002; ESP Exome Variant Server 0.00008; 1000 Genomes Project 30x 0.00047.
gnomAD v4.1: 44 of 1,614,040 alleles (0.0027%); highest among the groups gnomAD compares: African/African-American, 0.013%; no homozygotes.

Submissions (3):

Dasa
Classification: Uncertain significance. Last evaluated: 2026-04-05. Review status: criteria provided, single submitter. Criteria: DASA Assertion Criteria. Collection method: clinical testing. Allele origin: germline.
Comment: NM_001113378.2(FANCI):c.1735G>A (p.Ala579Thr) is a missense variant that results in the substitution of alanine with threonine. This variant is rare in population databases. The currently available literature and clinical evidence are not sufficient to establish a definitive association between this variant and the reported condition. Therefore, this variant is classified as a variant of uncertain significance.

Fulgent Genetics
Classification: Uncertain significance for Fanconi anemia complementation group I. Last evaluated: 2024-06-10. Review status: criteria provided, single submitter. Criteria: ACMG Guidelines, 2015. Collection method: clinical testing. Allele origin: germline.

Labcorp Genetics (formerly Invitae), Labcorp
Classification: Uncertain significance for Fanconi anemia. Last evaluated: 2022-10-18. Review status: criteria provided, single submitter. Criteria: Invitae Variant Classification Sherloc (09022015). Collection method: clinical testing. Allele origin: germline.
Comment: This sequence change replaces alanine, which is neutral and non-polar, with threonine, which is neutral and polar, at codon 579 of the FANCI protein (p.Ala579Thr). This variant is present in population databases (rs147963936, gnomAD 0.02%). This variant has not been reported in the literature in individuals affected with FANCI-related conditions. ClinVar contains an entry for this variant (Variation ID: 456195). Advanced modeling of protein sequence and biophysical properties (such as structural, functional, and spatial information, amino acid conservation, physicochemical variation, residue mobility, and thermodynamic stability) performed at Invitae indicates that this missense variant is expected to disrupt FANCI protein function. In summary, the available evidence is currently insufficient to determine the role of this variant in disease. Therefore, it has been classified as a Variant of Uncertain Significance.